The following is an entry in ClinVar:

NM_003978.5(PSTPIP1):c.66C>T (p.Tyr22=)

Gene: PSTPIP1 (proline-serine-threonine phosphatase interacting protein 1; plus strand). Cytogenetic location: 15q24.3.
Variant type: single nucleotide variant.
Coding change: c.66C>T on transcript NM_003978.5 (MANE Select); coding-DNA position 66, C replaced by T.
Protein change: p.Tyr22=; no amino-acid change (tyrosine 22 retained).
Molecular consequence: synonymous variant. On other transcripts: non-coding transcript variant (1).
Genome position (GRCh38, 1-based): chr15:77,018,177, C>T. VCF-style: chr15-77018177-C-T. GRCh37 (hg19) VCF-style: chr15-77310518-C-T.
Other names: c.66C>T, p.Tyr22= (NM_001321135.2); c.39C>T, p.Tyr13= (NM_001321136.2); c.261C>T, p.Tyr87= (NM_001321137.1); c.66C>T (NM_003978.4).
Identifiers: ClinVar variation 1153710 (VCV001153710.14), dbSNP rs373516507, ClinGen allele CA7675692.

ClinVar aggregate classification (germline): Benign/Likely benign. Review status: criteria provided, multiple submitters, no conflicts (2 of 4 stars). 4 submissions from 4 submitters: Benign (1); Likely benign (2). 1 of the submissions does not count toward it. Last evaluated 2025-11-22.

Conditions:
Pyogenic arthritis-pyoderma gangrenosum-acne syndrome (PAPA). Also called: PAPA SYNDROME; FAMILIAL RECURRENT ARTHRITIS. Identifiers: Orphanet 69126, MedGen C1858361, MONDO:0011462, OMIM 604416.
PSTPIP1-related disorder. Also called: PSTPIP1-related condition.

Allele frequency attached by ClinVar (database versions not stated): gnomAD 0.00002; gnomAD exomes 0.00003 and 0.00005; TOPMed 0.00003; ESP Exome Variant Server 0.00008; ExAC 0.00012.
gnomAD v4.1: 45 of 1,589,058 alleles (0.0028%); highest among the groups gnomAD compares: East Asian, 0.027%; no homozygotes.

Submissions (4):

Labcorp Genetics (formerly Invitae), Labcorp
Classification: Likely benign for Pyogenic arthritis-pyoderma gangrenosum-acne syndrome. Last evaluated: 2025-11-22. Review status: criteria provided, single submitter. Criteria: Invitae Variant Classification Sherloc (09022015). Collection method: clinical testing. Allele origin: germline.

Blueprint Genetics
Classification: Likely benign. Last evaluated: 2024-10-15. Review status: criteria provided, single submitter. Criteria: ACMG Guidelines, 2015. Collection method: clinical testing. Allele origin: germline.

GeneDx
Classification: Benign. Last evaluated: 2015-03-03. Review status: criteria provided, single submitter. Criteria: GeneDx Variant Classification Process June 2021. Collection method: clinical testing. Allele origin: germline. Affected: yes.

PreventionGenetics, part of Exact Sciences
Classification: Likely benign for PSTPIP1-related condition. Last evaluated: 2019-08-16. Review status: no assertion criteria provided. Collection method: clinical testing. Allele origin: germline. Not counted in ClinVar's aggregate classification.
Comment: This variant is classified as likely benign based on ACMG/AMP sequence variant interpretation guidelines (Richards et al. 2015 PMID: 25741868, with internal and published modifications).